The following is an entry in ClinVar:

NM_032551.5(KISS1R):c.245-133_245-130del

Gene: KISS1R (KISS1 receptor; plus strand). Cytogenetic location: 19p13.3.
Variant type: Deletion.
Coding change: c.245-133_245-130del on transcript NM_032551.5 (MANE Select); 133 bases into the intron before coding-DNA position 245 through 130 bases into the intron before coding-DNA position 245, 4 bases deleted (AGGG; older notation c.245-133_245-130delAGGG).
Molecular consequence: intron variant.
Genome position (GRCh38, 1-based): chr19:918,411-918,414, AGGG deleted; deleting any 4 consecutive bases within chr19:918,408-918,414 gives the same sequence; the c. name uses the placement nearest the transcript's 3' end. VCF-style (leftmost placement, unchanged base first): chr19-918407-GGGGA-G. GRCh37 (hg19) VCF-style: chr19-918407-GGGGA-G.
Identifiers: ClinVar variation 676786 (VCV000676786.1), dbSNP rs145349054, ClinGen allele CA303954658.

ClinVar aggregate classification (germline): Benign (1 of 4 stars; one submission).

Submission:

GeneDx
Classification: Benign. Last evaluated: 2018-06-19. Review status: criteria provided, single submitter. Criteria: GeneDx Variant Classification (06012015). Collection method: clinical testing. Allele origin: germline. Affected: yes.
Comment: This variant is considered likely benign or benign based on one or more of the following criteria: it is a conservative change, it occurs at a poorly conserved position in the protein, it is predicted to be benign by multiple in silico algorithms, and/or has population frequency not consistent with disease.